The following is an entry in ClinVar:

ClinVar aggregate classification (germline): Pathogenic (1 of 4 stars; one submission).

Conditions:
Severe combined immunodeficiency, autosomal recessive, T cell-negative, B cell-negative, NK cell-positive. Also called: SCID, AR, T-cell negative, B-cell negative, NK cell-positive; SCID, T CELL-NEGATIVE, B CELL-NEGATIVE, NK CELL-POSITIVE; Severe combined immunodeficiency due to complete RAG1/2 deficiency. Identifiers: Orphanet 331206, MedGen C1832322, MONDO:0011086, OMIM 601457.
Combined immunodeficiency with skin granulomas. Identifiers: Orphanet 157949, MedGen C2673536, MONDO:0009306, OMIM 233650.

Submission:

Labcorp Genetics (formerly Invitae), Labcorp
Classification: Pathogenic for Combined immunodeficiency with skin granulomas; Severe combined immunodeficiency, autosomal recessive, T cell-negative, B cell-negative, NK cell-positive. Last evaluated: 2023-07-21. Review status: criteria provided, single submitter. Criteria: Invitae Variant Classification Sherloc (09022015). Collection method: clinical testing. Allele origin: germline.
Comment: This variant disrupts a region of the RAG2 protein in which other variant(s) (p.Arg148*) have been determined to be pathogenic (PMID: 11133745, 28600779, 30307608). This suggests that this is a clinically significant region of the protein, and that variants that disrupt it are likely to be disease-causing. This variant has not been reported in the literature in individuals affected with RAG2-related conditions. This variant is present in population databases (rs746734641, gnomAD 0.0009%). This sequence change creates a premature translational stop signal (p.Gly35Alafs*16) in the RAG2 gene. While this is not anticipated to result in nonsense mediated decay, it is expected to disrupt the last 493 amino acid(s) of the RAG2 protein. For these reasons, this variant has been classified as Pathogenic.

Literature cited by the submitters: PubMed 11133745; PubMed 28600779; PubMed 30307608.

NM_000536.4(RAG2):c.102del (p.Gly35fs)

Gene: RAG2 (recombination activating 2; minus strand). Cytogenetic location: 11p12.
Variant type: Deletion.
Coding change: c.102del on transcript NM_000536.4 (MANE Select); coding-DNA position 102, one base deleted (A; older notation c.102delA).
Protein change: p.Gly35fs; shifts the reading frame from glycine 35.
Molecular consequence: frameshift variant.
Genome position (GRCh38, 1-based): chr11:36,594,067, T deleted on the plus strand (A on the coding strand, the reverse complement: RAG2 is on the minus strand); the first of 5 consecutive T bases (chr11:36,594,067-36,594,071); deleting any one gives the same sequence. VCF-style (leftmost placement, unchanged base first): chr11-36594066-CT-C. GRCh37 (hg19) VCF-style: chr11-36615616-CT-C.
Other names: c.102del, p.Gly35fs (NM_001243785.2, NM_001243786.2); short protein forms G35fs.
Identifiers: ClinVar variation 2939175 (VCV002939175.3), dbSNP rs746734641, ClinGen allele CA5950625.